The following is an entry in ClinVar:

NM_001042492.3(NF1):c.997T>C (p.Tyr333His)

Gene: NF1 (neurofibromin 1; plus strand). Cytogenetic location: 17q11.2.
Variant type: single nucleotide variant.
Coding change: c.997T>C on transcript NM_001042492.3 (MANE Select); coding-DNA position 997, T replaced by C.
Protein change: p.Tyr333His; replaces tyrosine 333 with histidine.
Molecular consequence: missense variant.
Genome position (GRCh38, 1-based): chr17:31,200,530, T>C. VCF-style: chr17-31200530-T-C. GRCh37 (hg19) VCF-style: chr17-29527548-T-C.
Other names: c.997T>C, p.Tyr333His (NM_000267.4, NM_001128147.3); short protein forms Y333H.
Identifiers: ClinVar variation 935028 (VCV000935028.6), dbSNP rs2066508508, ClinGen allele CA398996201.

ClinVar aggregate classification (germline): Uncertain significance (1 of 4 stars; one submission).

Conditions:
Neurofibromatosis, type 1 (NF1). Also called: Peripheral type neurofibromatosis; VON RECKLINGHAUSEN DISEASE; Neurofibromatosis, type I; NEUROFIBROMATOSIS, TYPE I, SOMATIC. Identifiers: Orphanet 636, MedGen C0027831, MONDO:0018975, OMIM 162200. Disease mechanism: loss of function.

Submission:

Labcorp Genetics (formerly Invitae), Labcorp
Classification: Uncertain significance for Neurofibromatosis, type 1. Last evaluated: 2019-06-06. Review status: criteria provided, single submitter. Criteria: Invitae Variant Classification Sherloc (09022015). Collection method: clinical testing. Allele origin: germline.
Comment: In summary, the available evidence is currently insufficient to determine the role of this variant in disease. Therefore, it has been classified as a Variant of Uncertain Significance. Algorithms developed to predict the effect of missense changes on protein structure and function are either unavailable or do not agree on the potential impact of this missense change (SIFT: "Tolerated"; PolyPhen-2: "Probably Damaging"; Align-GVGD: "Class C0"). This variant has not been reported in the literature in individuals with NF1-related conditions. This variant is not present in population databases (ExAC no frequency). This sequence change replaces tyrosine with histidine at codon 333 of the NF1 protein (p.Tyr333His). The tyrosine residue is highly conserved and there is a moderate physicochemical difference between tyrosine and histidine.